The following is an entry in ClinVar:

ClinVar aggregate classification (germline): Likely pathogenic (1 of 4 stars; one submission).

Conditions:
Dilated cardiomyopathy 1O (CMD1O). Also called: CARDIOMYOPATHY, DILATED, WITH VENTRICULAR TACHYCARDIA. Identifiers: Orphanet 154, MedGen C1837839, MONDO:0012062, OMIM 608569.

Submission:

Labcorp Genetics (formerly Invitae), Labcorp
Classification: Likely pathogenic for Dilated cardiomyopathy 1O. Last evaluated: 2025-01-07. Review status: criteria provided, single submitter. Criteria: Invitae Variant Classification Sherloc (09022015). Collection method: clinical testing. Allele origin: germline.
Comment: This sequence change affects a donor splice site in intron 12 of the ABCC9 gene. It is expected to disrupt RNA splicing. Variants that disrupt the donor or acceptor splice site typically lead to a loss of protein function (PMID: 16199547), and loss-of-function variants in ABCC9 are known to be pathogenic (PMID: 31575858, 38217872). This variant is not present in population databases (gnomAD no frequency). This variant has not been reported in the literature in individuals affected with ABCC9-related conditions. ClinVar contains an entry for this variant (Variation ID: 2810658). Algorithms developed to predict the effect of sequence changes on RNA splicing suggest that this variant may disrupt the consensus splice site. In summary, the currently available evidence indicates that the variant is pathogenic, but additional data are needed to prove that conclusively. Therefore, this variant has been classified as Likely Pathogenic.

Literature cited by the submitters: PubMed 16199547; PubMed 31575858; PubMed 38217872.

NM_020297.4(ABCC9):c.1802+1G>T

Gene: ABCC9 (ATP binding cassette subfamily C member 9; minus strand). Cytogenetic location: 12p12.1.
Variant type: single nucleotide variant.
Coding change: c.1802+1G>T on transcript NM_020297.4 (MANE Select); the canonical splice donor site of the intron after coding-DNA position 1802, G replaced by T.
Molecular consequence: splice donor variant.
Genome position (GRCh38, 1-based): chr12:21,894,031, C>A on the plus strand (G>T on the coding strand, the complement: ABCC9 is on the minus strand). VCF-style: chr12-21894031-C-A. GRCh37 (hg19) VCF-style: chr12-22046965-C-A.
Other names: c.938+1G>T (NM_001377274.1); c.1802+1G>T (NM_005691.4, NM_001377273.1).
Identifiers: ClinVar variation 2810658 (VCV002810658.3), dbSNP rs2541510478, ClinGen allele CA384136948.
Genomic context (GRCh38, chr12:21,894,031, plus strand): 5'-TATTAGCACACGTCATTTCTATTATCAATAAGCAAAAAATGCCAGACACTTCAGTGCATA[C>A]CTTATGATGGCTTTGACTGCAAATCTGACCACCGTGGAGAGCAGGAACAGTGGTGTGACC-3'